The following is an entry in ClinVar:

NM_078629.4(MSL3):c.396C>T (p.Ser132=)

Gene: MSL3 (MSL complex subunit 3; plus strand). Cytogenetic location: Xp22.2.
Variant type: single nucleotide variant.
Coding change: c.396C>T on transcript NM_078629.4 (MANE Select); coding-DNA position 396, C replaced by T.
Protein change: p.Ser132=; no amino-acid change (serine 132 retained).
Molecular consequence: synonymous variant. On other transcripts: 5 prime UTR variant (1), intron variant (1).
Genome position (GRCh38, 1-based): chrX:11,761,513, C>T. VCF-style: chrX-11761513-C-T. GRCh37 (hg19) VCF-style: chrX-11779632-C-T.
Other names: c.360C>T, p.Ser120= (NM_001193270.2); c.-103C>T (NM_006800.4); c.396C>T, p.Ser132= (NM_078628.2); c.18+576C>T (NM_001282174.1).
Identifiers: ClinVar variation 3041463 (VCV003041463.2), dbSNP rs78624542, ClinGen allele CA10348784.

ClinVar aggregate classification (germline): Benign (0 of 4 stars; one submission).

Conditions:
MSL3-related disorder. Also called: MSL3-related condition.

Allele frequency attached by ClinVar (database versions not stated): gnomAD exomes 0.00288; ExAC 0.01088; gnomAD 0.02757; TOPMed 0.03136; 1000 Genomes Project 0.03311; 1000 Genomes Project 30x 0.03496; ESP Exome Variant Server 0.03730.
gnomAD v4.1: 6,359 of 1,196,392 alleles (0.53%); highest among the groups gnomAD compares: African/African-American, 9.7%; 205 homozygotes.

Submission:

PreventionGenetics, part of Exact Sciences
Classification: Benign for MSL3-related condition. Last evaluated: 2019-10-22. Review status: no assertion criteria provided. Collection method: clinical testing. Allele origin: germline.
Comment: This variant is classified as benign based on ACMG/AMP sequence variant interpretation guidelines (Richards et al. 2015 PMID: 25741868, with internal and published modifications).